The following is an entry in ClinVar:

ClinVar aggregate classification (germline): Benign/Likely benign. Review status: criteria provided, multiple submitters, no conflicts (2 of 4 stars). 6 submissions from 6 submitters: Benign (1); Likely benign (5). Last evaluated 2025-07-30.

Conditions:
Cardiomyopathy (CMYO). Also called: Cardiomyopathies. Identifiers: Orphanet 167848, MedGen C0878544, MONDO:0004994, HP:0001638. Inheritance: Various modes of inheritance.
Cardiovascular phenotype. Identifiers: MedGen CN230736.
Hypertrophic cardiomyopathy. Also called: HYPERTROPHIC MYOCARDIOPATHY. Identifiers: Orphanet 217569, MedGen C0007194, MeSH D002312, MONDO:0005045, HP:0001639.

Allele frequency attached by ClinVar (database versions not stated): gnomAD 0.00002; gnomAD exomes 0.00002 and 0.00003; TOPMed 0.00003; ExAC 0.00005.

Submissions (6):

Labcorp Genetics (formerly Invitae), Labcorp
Classification: Likely benign for Hypertrophic cardiomyopathy. Last evaluated: 2025-07-30. Review status: criteria provided, single submitter. Criteria: Invitae Variant Classification Sherloc (09022015). Collection method: clinical testing. Allele origin: germline.

Blueprint Genetics
Classification: Likely benign. Last evaluated: 2024-05-08. Review status: criteria provided, single submitter. Criteria: ACMG Guidelines, 2015. Collection method: clinical testing. Allele origin: germline.

All of Us Research Program, National Institutes of Health
Classification: Likely benign for Hypertrophic cardiomyopathy. Last evaluated: 2023-08-15. Review status: criteria provided, single submitter. Criteria: ACMG Guidelines, 2015. Collection method: clinical testing. Allele origin: germline. Inheritance: Autosomal dominant inheritance. Observed: 3 variant alleles, 3 heterozygotes.
Comment: This study involves interpretation of variants in research participants for the purpose of population health screening. Participant phenotype was not available at the time of variant classification. Additional details can be found in publication PMID: 35346344, PMCID: PMC8962531

Color Diagnostics, LLC DBA Color Health
Classification: Likely benign for Cardiomyopathy. Last evaluated: 2022-11-06. Review status: criteria provided, single submitter. Criteria: ACMG Guidelines, 2015. Collection method: clinical testing. Allele origin: germline.

Ambry Genetics
Classification: Likely benign for Cardiovascular phenotype. Last evaluated: 2022-06-22. Review status: criteria provided, single submitter. Criteria: Ambry Variant Classification Scheme 2023. Collection method: clinical testing. Allele origin: germline.

GeneDx
Classification: Benign. Last evaluated: 2015-03-03. Review status: criteria provided, single submitter. Criteria: GeneDx Variant Classification Process June 2021. Collection method: clinical testing. Allele origin: germline. Affected: yes.

NM_000256.3(MYBPC3):c.3534C>T (p.Ser1178=)

Gene: MYBPC3 (myosin binding protein C3; minus strand). Cytogenetic location: 11p11.2.
Variant type: single nucleotide variant.
Coding change: c.3534C>T on transcript NM_000256.3 (MANE Select); coding-DNA position 3534, C replaced by T.
Protein change: p.Ser1178=; no amino-acid change (serine 1178 retained).
Molecular consequence: synonymous variant.
Genome position (GRCh38, 1-based): chr11:47,332,659, G>A on the plus strand (C>T on the coding strand, the complement: MYBPC3 is on the minus strand). VCF-style: chr11-47332659-G-A. GRCh37 (hg19) VCF-style: chr11-47354210-G-A.
Identifiers: ClinVar variation 1131409 (VCV001131409.16), dbSNP rs756160183, ClinGen allele CA079428.